The following is an entry in ClinVar:

ClinVar aggregate classification (germline): Conflicting classifications of pathogenicity. Review status: criteria provided, conflicting classifications (1 of 4 stars). 12 submissions from 11 submitters: Uncertain significance (1); Benign (5); Likely benign (3). 3 of the submissions do not count toward it. Last evaluated 2026-09-01.

Conditions:
Febrile seizures, familial, 1. Also called: FEB1. Identifiers: MedGen C1852577, MONDO:0007367, OMIM 121210.
Usher syndrome type 2C. Also called: USHER SYNDROME, TYPE IIC; Usher syndrome, type 2B. Identifiers: Orphanet 231178, Orphanet 886, MedGen C2931213, MONDO:0011558, OMIM 605472.

Allele frequency attached by ClinVar (database versions not stated): 1000 Genomes Project 30x 0.00468; 1000 Genomes Project 0.00519; TOPMed 0.00671; ESP Exome Variant Server 0.00771; gnomAD 0.00828 and 0.00844; ExAC 0.00954.
gnomAD v4.1: 17,159 of 1,610,820 alleles (1.1%); highest among the groups gnomAD compares: Non-Finnish European, 1.2%; 126 homozygotes.

Submissions (12):

CeGaT Center for Human Genetics Tuebingen
Classification: Benign. Last evaluated: 2026-09-01. Review status: criteria provided, single submitter. Criteria: CeGaT Center For Human Genetics Tuebingen Variant Classification Criteria Version 2. Collection method: clinical testing. Allele origin: germline. Affected: yes. Observed: 13 variant alleles.
Comment: ADGRV1: BP4, BS1, BS2

Labcorp Genetics (formerly Invitae), Labcorp
Classification: Benign. Last evaluated: 2026-02-04. Review status: criteria provided, single submitter. Criteria: Invitae Variant Classification Sherloc (09022015). Collection method: clinical testing. Allele origin: germline.

Genomic Research Center, Shahid Beheshti University of Medical Sciences
Classification: Benign for Usher syndrome type 2C. Last evaluated: 2025-03-11. Review status: criteria provided, single submitter. Criteria: ACMG Guidelines, 2015. Collection method: clinical testing. Allele origin: inherited. Inheritance: Autosomal recessive inheritance. Affected: yes. Observed: 1 variant allele.
Comment: BS1, BS2, BP4.

Genomic Research Center, Shahid Beheshti University of Medical Sciences
Classification: Uncertain significance for Febrile seizures, familial, 1. Last evaluated: 2018-08-07. Review status: criteria provided, single submitter. Criteria: ACMG Guidelines, 2015. Collection method: clinical testing. Allele origin: inherited. Affected: yes. Observed: 1 variant allele.

GeneDx
Classification: Benign. Last evaluated: 2018-06-29. Review status: criteria provided, single submitter. Criteria: GeneDx Variant Classification Process June 2021. Collection method: clinical testing. Allele origin: germline. Affected: yes.
Comment: This variant is associated with the following publications: (PMID: 22135276, 22334370, 21569298, 14740321)

Illumina Laboratory Services, Illumina
Classification: Likely benign for Usher syndrome type 2C. Last evaluated: 2018-01-13. Review status: criteria provided, single submitter. Criteria: ICSL Variant Classification Criteria 13 December 2019. Collection method: clinical testing. Allele origin: germline.
Comment: This variant was observed in the ICSL laboratory as part of a predisposition screen in an ostensibly healthy population. It had not been previously curated by ICSL or reported in the Human Gene Mutation Database (HGMD: prior to June 1st, 2018), and was therefore a candidate for classification through an automated scoring system. Utilizing variant allele frequency, disease prevalence and penetrance estimates, and inheritance mode, an automated score was calculated to assess if this variant is too frequent to cause the disease. Based on the score and internal cut-off values, a variant classified as likely benign is not then subjected to further curation. The score for this variant resulted in a classification of likely benign for this disease.

Athena Diagnostics
Classification: Likely benign. Last evaluated: 2017-10-18. Review status: criteria provided, single submitter. Criteria: Athena Diagnostics Criteria. Collection method: clinical testing. Allele origin: germline.

Center for Pediatric Genomic Medicine, Children's Mercy Hospital and Clinics
Classification: Likely benign. Last evaluated: 2016-12-02. Review status: criteria provided, single submitter. Criteria: ACMG Guidelines, 2015. Collection method: clinical testing. Allele origin: germline.
ClinVar note: Converted during submission from Likely Benign to Likely benign.

Laboratory for Molecular Medicine, Mass General Brigham Personalized Medicine
Classification: Benign. Last evaluated: 2012-04-30. Review status: criteria provided, single submitter. Criteria: LMM Criteria. Collection method: clinical testing. Allele origin: germline. Observed: 31 variant alleles.
Comment: Ala3217Val in Exon 45 of GPR98: This variant is not expected to have clinical si gnificance because it has been identified in 1.1% (71/6670) of European American chromosomes from a broad population by the NHLBI Exome Sequencing Project (dbSNP rs114137750).

Clinical Genetics DNA and cytogenetics Diagnostics Lab, Erasmus MC, Erasmus Medical Center
Classification: Likely benign. Review status: no assertion criteria provided. Collection method: clinical testing. Allele origin: germline. Affected: yes. Study: VKGL Data-share Consensus. Not counted in ClinVar's aggregate classification.

Genetic Services Laboratory, University of Chicago
Classification: Likely benign. Review status: no assertion criteria provided. Collection method: clinical testing. Allele origin: germline. Inheritance: Autosomal dominant inheritance. Not counted in ClinVar's aggregate classification.
Comment: Likely benign based on allele frequency in 1000 Genomes Project or ESP global frequency and its presence in a patient with a rare or unrelated disease phenotype. NOT Sanger confirmed

Genome Diagnostics Laboratory, University Medical Center Utrecht
Classification: Benign. Review status: no assertion criteria provided. Collection method: clinical testing. Allele origin: germline. Affected: yes. Study: VKGL Data-share Consensus. Not counted in ClinVar's aggregate classification.

NM_032119.4(ADGRV1):c.9650C>T (p.Ala3217Val)

Gene: ADGRV1 (adhesion G protein-coupled receptor V1; plus strand). Cytogenetic location: 5q14.3.
Variant type: single nucleotide variant.
Coding change: c.9650C>T on transcript NM_032119.4 (MANE Select); coding-DNA position 9650, C replaced by T.
Protein change: p.Ala3217Val; replaces alanine 3217 with valine.
Molecular consequence: missense variant. On other transcripts: non-coding transcript variant (1).
Genome position (GRCh38, 1-based): chr5:90,720,961, C>T. VCF-style: chr5-90720961-C-T. GRCh37 (hg19) VCF-style: chr5-90016778-C-T.
Other names: short protein forms A3217V.
Identifiers: ClinVar variation 158655 (VCV000158655.61), dbSNP rs114137750, ClinGen allele CA172279.